The following is an entry in ClinVar:

ClinVar aggregate classification (germline): Uncertain significance (1 of 4 stars; one submission).

Submission:

GeneDx
Classification: Uncertain significance. Last evaluated: 2017-10-23. Review status: criteria provided, single submitter. Criteria: GeneDx Variant Classification (06012015). Collection method: clinical testing. Allele origin: germline. Affected: yes.
Comment: The T198P variant in the TBX6 gene has not been reported previously as a pathogenic variant, nor as a benign variant, to our knowledge. This variant is not observed in large population cohorts (Lek et al., 2016). The T198P variant is a non-conservative amino acid substitution, which is likely to impact secondary protein structure as these residues differ in polarity, charge, size and/or other properties. This substitution occurs at a position that is conserved across species. In silico analysis predicts this variant is probably damaging to the protein structure/function. We interpret T198P as a variant of uncertain significance.

NM_004608.4(TBX6):c.592A>C (p.Thr198Pro)

Gene: TBX6 (T-box transcription factor 6; minus strand). Cytogenetic location: 16p11.2.
Variant type: single nucleotide variant.
Coding change: c.592A>C on transcript NM_004608.4 (MANE Select); coding-DNA position 592, A replaced by C.
Protein change: p.Thr198Pro; replaces threonine 198 with proline.
Molecular consequence: missense variant.
Genome position (GRCh38, 1-based): chr16:30,088,972, T>G on the plus strand (A>C on the coding strand, the complement: TBX6 is on the minus strand). VCF-style: chr16-30088972-T-G. GRCh37 (hg19) VCF-style: chr16-30100293-T-G.
Other names: short protein forms T198P.
Identifiers: ClinVar variation 452975 (VCV000452975.2), dbSNP rs1170574405, ClinGen allele CA395519503.
Genomic context (GRCh38, chr16:30,088,972, plus strand): 5'-CCCTATCCTGGAGTCCCAGCCTGGGCCTCACGTGGCCGTGGGGGTCCAGCGTGCTGTTGG[T>G]GAGCTTGACACGATGGAAAGACACAGGCTGCCGCATCCAATGTGCACCAGTGGCAGGAGA-3'
Protein context (NP_004599.2, residues 188-208): QPVSFHRVKL[Thr198Pro]NSTLDPHGHL